The following is an entry in ClinVar:

NC_000012.12:g.40450688G>A

Gene: MUC19 (mucin 19, oligomeric (gene/pseudogene); plus strand). Cytogenetic location: 12q12.
Variant type: single nucleotide variant.
Genome position: GRCh38 VCF-style: chr12-40450688-G-A. GRCh37 (hg19) VCF-style: chr12-40844490-G-A.
Identifiers: ClinVar variation 2642863 (VCV002642863.24), dbSNP rs777356323, ClinGen allele CA6515624.

ClinVar aggregate classification (germline): Likely benign (1 of 4 stars; one submission).

Allele frequency attached by ClinVar (database versions not stated): gnomAD 0.00005; ExAC 0.00006; TOPMed 0.00006.

Submission:

CeGaT Center for Human Genetics Tuebingen
Classification: Likely benign. Last evaluated: 2022-06-01. Review status: criteria provided, single submitter. Criteria: CeGaT Center For Human Genetics Tuebingen Variant Classification Criteria Version 2. Collection method: clinical testing. Allele origin: germline. Affected: yes. Observed: 1 variant allele.
Comment: MUC19: BP4, BP7